The following is an entry in ClinVar:

ClinVar aggregate classification (germline): Uncertain significance. Review status: criteria provided, multiple submitters, no conflicts (2 of 4 stars). 3 submissions from 3 submitters: Uncertain significance (3). Last evaluated 2024-11-25.

Conditions:
Inborn genetic diseases. Identifiers: MedGen C0950123, MeSH D030342.
Combined immunodeficiency due to LRBA deficiency. Also called: Common variable immunodeficiency 8, with autoimmunity. Identifiers: Orphanet 445018, MedGen C3553512, MONDO:0013863, OMIM 614700.

Allele frequency attached by ClinVar (database versions not stated): ESP Exome Variant Server 0.00046; TOPMed 0.00018; gnomAD 0.00021 and 0.00023; gnomAD exomes 0.00031 and 0.00018; ExAC 0.00017.
gnomAD v4.1: 480 of 1,613,460 alleles (0.03%); highest among the groups gnomAD compares: Non-Finnish European, 0.04%; no homozygotes.

Submissions (3):

Ambry Genetics
Classification: Uncertain significance for Inborn genetic diseases. Last evaluated: 2024-11-25. Review status: criteria provided, single submitter. Criteria: Ambry Variant Classification Scheme 2023. Collection method: clinical testing. Allele origin: germline.

Labcorp Genetics (formerly Invitae), Labcorp
Classification: Uncertain significance for Combined immunodeficiency due to LRBA deficiency. Last evaluated: 2024-01-02. Review status: criteria provided, single submitter. Criteria: Invitae Variant Classification Sherloc (09022015). Collection method: clinical testing. Allele origin: germline.
Comment: This sequence change replaces glutamic acid, which is acidic and polar, with glutamine, which is neutral and polar, at codon 1088 of the LRBA protein (p.Glu1088Gln). This variant is present in population databases (rs142075710, gnomAD 0.04%). This variant has not been reported in the literature in individuals affected with LRBA-related conditions. ClinVar contains an entry for this variant (Variation ID: 566454). Advanced modeling of protein sequence and biophysical properties (such as structural, functional, and spatial information, amino acid conservation, physicochemical variation, residue mobility, and thermodynamic stability) performed at Invitae indicates that this missense variant is not expected to disrupt LRBA protein function with a negative predictive value of 80%. In summary, the available evidence is currently insufficient to determine the role of this variant in disease. Therefore, it has been classified as a Variant of Uncertain Significance.

ARUP Laboratories, Molecular Genetics and Genomics, ARUP Laboratories
Classification: Uncertain significance. Last evaluated: 2018-01-09. Review status: criteria provided, single submitter. Criteria: ARUP Molecular Germline Variant Investigation Process. Collection method: clinical testing. Allele origin: germline.
Comment: The p.Glu1088Gln variant (rs142075710) has not been reported in the medical literature, gene specific variation databases, nor has it been previously identified by our laboratory. This variant is listed in the Genome Aggregation Database (gnomAD) with an overall population frequency of 0.04 percent (identified on 50 out of 276,512 chromosomes). The glutamic acid at position 1088 is weakly conserved considering 13 species (Alamut v2.10) and computational analyses of the effects of the p.Glu1088Gln variant on protein structure and function provide conflicting results (SIFT: tolerated, MutationTaster: disease causing, PolyPhen-2: benign). Altogether, there is not enough evidence to classify the p.Glu1088Gln variant with certainty.

NM_001364905.1(LRBA):c.3262G>C (p.Glu1088Gln)

Gene: LRBA (LPS responsive beige-like anchor protein; minus strand). Cytogenetic location: 4q31.3.
Variant type: single nucleotide variant.
Coding change: c.3262G>C on transcript NM_001364905.1 (MANE Select); coding-DNA position 3262, G replaced by C.
Protein change: p.Glu1088Gln; replaces glutamic acid 1088 with glutamine.
Molecular consequence: missense variant.
Genome position (GRCh38, 1-based): chr4:150,852,448, C>G on the plus strand (G>C on the coding strand, the complement: LRBA is on the minus strand). VCF-style: chr4-150852448-C-G. GRCh37 (hg19) VCF-style: chr4-151773600-C-G.
Other names: c.3262G>C, p.Glu1088Gln (NM_001367550.1, NM_006726.5, NM_001199282.3); short protein forms E1088Q.
Identifiers: ClinVar variation 566454 (VCV000566454.17), dbSNP rs142075710, ClinGen allele CA3103074.
Genomic context (GRCh38, chr4:150,852,448, plus strand): 5'-CATCTTCCTCTTCCTCTACTATAGATTTATCCAAGAATTCTGGCATCTCTGAGGCATCCT[C>G]TTCTGAAGGAGAACTTATAGAAGCAGTTACTTCACTGACAGTCATTGAATCTTTGCCAGT-3'
Protein context (NP_001351834.1, residues 1078-1098): VTASISSPSE[Glu1088Gln]DASEMPEFLD